The following is an entry in ClinVar:

NM_005502.4(ABCA1):c.4186C>T (p.Pro1396Ser)

Gene: ABCA1 (ATP binding cassette subfamily A member 1; minus strand). Cytogenetic location: 9q31.1.
Variant type: single nucleotide variant.
Coding change: c.4186C>T on transcript NM_005502.4 (MANE Select); coding-DNA position 4186, C replaced by T.
Protein change: p.Pro1396Ser; replaces proline 1396 with serine.
Molecular consequence: missense variant.
Genome position (GRCh38, 1-based): chr9:104,809,554, G>A on the plus strand (C>T on the coding strand, the complement: ABCA1 is on the minus strand). VCF-style: chr9-104809554-G-A. GRCh37 (hg19) VCF-style: chr9-107571835-G-A.
Other names: short protein forms P1396S.
Identifiers: ClinVar variation 1460584 (VCV001460584.5), dbSNP rs2118925023, ClinGen allele CA374316520.
Genomic context (GRCh38, chr9:104,809,554, plus strand): 5'-TCCCGAAGCCAGGGTCTTTGGTGAGGGCGTTTAAGAGTTCCAGGGTTCCCGTGTCCTCAG[G>A]AGCATCATTGCTGTGGGTACATGAGAGGCAGCCAGCTTAGTAATTCATTAAAACCAGTAA-3'
Protein context (NP_005493.2, residues 1386-1406): EQYTFVSNDA[Pro1396Ser]EDTGTLELLN

ClinVar aggregate classification (germline): Uncertain significance (1 of 4 stars; one submission).

Allele frequency attached by ClinVar (database versions not stated): gnomAD exomes 0.00001.
gnomAD v4.1: 3 of 1,614,164 alleles (0.00019%); highest among the groups gnomAD compares: Non-Finnish European, 0.00025%; no homozygotes.

Submission:

Labcorp Genetics (formerly Invitae), Labcorp
Classification: Uncertain significance. Last evaluated: 2024-09-23. Review status: criteria provided, single submitter. Criteria: Invitae Variant Classification Sherloc (09022015). Collection method: clinical testing. Allele origin: germline.
Comment: This sequence change replaces proline, which is neutral and non-polar, with serine, which is neutral and polar, at codon 1396 of the ABCA1 protein (p.Pro1396Ser). This variant is not present in population databases (gnomAD no frequency). This variant has not been reported in the literature in individuals affected with ABCA1-related conditions. ClinVar contains an entry for this variant (Variation ID: 1460584). Invitae Evidence Modeling of protein sequence and biophysical properties (such as structural, functional, and spatial information, amino acid conservation, physicochemical variation, residue mobility, and thermodynamic stability) indicates that this missense variant is not expected to disrupt ABCA1 protein function with a negative predictive value of 80%. In summary, the available evidence is currently insufficient to determine the role of this variant in disease. Therefore, it has been classified as a Variant of Uncertain Significance.